The following is an entry in ClinVar:

ClinVar aggregate classification (germline): Pathogenic (1 of 4 stars; one submission).

Submission:

ARUP Laboratories, Molecular Genetics and Genomics, ARUP Laboratories
Classification: Pathogenic. Last evaluated: 2018-01-05. Review status: criteria provided, single submitter. Criteria: ARUP Molecular Germline Variant Investigation Process. Collection method: clinical testing. Allele origin: germline.
Comment: The F8 c.1352_1353delCA; p.Thr451fs variant is not reported in the literature or gene-specific variant databases. It is also absent from the general population databases (1000 Genomes Project, Exome Variant Server, Genome Aggregation Database), indicating it is not a common polymorphism. This variant deletes two nucleotides causing a frameshift and is predicted to result in a truncated protein or mRNA that is subject to nonsense mediated decay. Based on the above information, this variant is considered pathogenic.

NM_000132.4(F8):c.1352_1353del (p.Thr451fs)

Gene: F8 (coagulation factor VIII; minus strand). Cytogenetic location: Xq28.
Variant type: Microsatellite.
Coding change: c.1352_1353del on transcript NM_000132.4 (MANE Select); coding-DNA positions 1352 to 1353, 2 bases deleted (CA; older notation c.1352_1353delCA).
Protein change: p.Thr451fs; shifts the reading frame from threonine 451.
Molecular consequence: frameshift variant.
Genome position (GRCh38, 1-based): chrX:154,966,060-154,966,061, TG deleted on the plus strand (CA on the coding strand, the reverse complement: F8 is on the minus strand); deleting any 2 consecutive bases within chrX:154,966,060-154,966,064 gives the same sequence; the c. name uses the placement nearest the transcript's 3' end. VCF-style (leftmost placement, unchanged base first): chrX-154966059-CTG-C. GRCh37 (hg19) VCF-style: chrX-154194334-CTG-C.
Other names: c.1352_1353delCA (NM_000132.3); short protein forms T451fs.
Identifiers: ClinVar variation 618101 (VCV000618101.8), dbSNP rs1603435220, ClinGen allele CA913191102.